The following is an entry in ClinVar:

ClinVar aggregate classification (germline): Uncertain significance. Review status: criteria provided, multiple submitters, no conflicts (2 of 4 stars). 2 submissions from 2 submitters: Uncertain significance (2). Last evaluated 2026-02-01.

Conditions:
FGFR2-related craniosynostosis. Identifiers: MedGen CN231480.

Allele frequency attached by ClinVar (database versions not stated): gnomAD exomes below 0.00001.
gnomAD v4.1: 6 of 1,614,240 alleles (0.00037%); highest among the groups gnomAD compares: Non-Finnish European, 0.00025%; no homozygotes.

Submissions (2):

CeGaT Center for Human Genetics Tuebingen
Classification: Uncertain significance. Last evaluated: 2026-02-01. Review status: criteria provided, single submitter. Criteria: CeGaT Center For Human Genetics Tuebingen Variant Classification Criteria Version 2. Collection method: clinical testing. Allele origin: germline. Affected: yes. Observed: 1 variant allele.
Comment: FGFR2: PM2:Supporting

Labcorp Genetics (formerly Invitae), Labcorp
Classification: Uncertain significance for FGFR2-related craniosynostosis. Last evaluated: 2023-07-28. Review status: criteria provided, single submitter. Criteria: Invitae Variant Classification Sherloc (09022015). Collection method: clinical testing. Allele origin: germline.
Comment: This sequence change replaces glycine, which is neutral and non-polar, with arginine, which is basic and polar, at codon 195 of the FGFR2 protein (p.Gly195Arg). This variant is present in population databases (no rsID available, gnomAD 0.009%). This variant has not been reported in the literature in individuals affected with FGFR2-related conditions. Advanced modeling of protein sequence and biophysical properties (such as structural, functional, and spatial information, amino acid conservation, physicochemical variation, residue mobility, and thermodynamic stability) performed at Invitae indicates that this missense variant is expected to disrupt FGFR2 protein function. In summary, the available evidence is currently insufficient to determine the role of this variant in disease. Therefore, it has been classified as a Variant of Uncertain Significance.

NM_000141.5(FGFR2):c.583G>A (p.Gly195Arg)

Gene: FGFR2 (fibroblast growth factor receptor 2; minus strand). Cytogenetic location: 10q26.13.
Variant type: single nucleotide variant.
Coding change: c.583G>A on transcript NM_000141.5 (MANE Select); coding-DNA position 583, G replaced by A.
Protein change: p.Gly195Arg; replaces glycine 195 with arginine.
Molecular consequence: missense variant. On other transcripts: non-coding transcript variant (1).
Genome position (GRCh38, 1-based): chr10:121,551,331, C>T on the plus strand (G>A on the coding strand, the complement: FGFR2 is on the minus strand). VCF-style: chr10-121551331-C-T. GRCh37 (hg19) VCF-style: chr10-123310845-C-T.
Other names: c.316G>A, p.Gly106Arg (NM_023029.3, NM_001144915.2, NM_001144919.2); c.583G>A, p.Gly195Arg (NM_001144914.1, NM_001144917.2, NM_001320658.2 and 2 more transcripts); c.238G>A, p.Gly80Arg (NM_001144916.2, NM_001144918.2); short protein forms G106R, G80R, G195R.
Identifiers: ClinVar variation 2738839 (VCV002738839.7), dbSNP rs1474313509, ClinGen allele CA378319528.